The following is an entry in ClinVar:

ClinVar aggregate classification (germline): Uncertain significance (1 of 4 stars; one submission).

Conditions:
Pyogenic bacterial infections due to MyD88 deficiency (IMD68). Also called: PYOGENIC BACTERIAL INFECTIONS, RECURRENT, DUE TO MYD88 DEFICIENCY. Identifiers: Orphanet 183713, MedGen C2677092, MONDO:0012839, OMIM 612260.

Allele frequency attached by ClinVar (database versions not stated): TOPMed below 0.00001; ExAC 0.00001; gnomAD 0.00001; gnomAD exomes 0.00001.
gnomAD v4.1: 16 of 1,606,936 alleles (0.001%); highest among the groups gnomAD compares: Middle Eastern, 0.05%; no homozygotes.

Submission:

Labcorp Genetics (formerly Invitae), Labcorp
Classification: Uncertain significance for Pyogenic bacterial infections due to MyD88 deficiency. Last evaluated: 2022-07-11. Review status: criteria provided, single submitter. Criteria: Invitae Variant Classification Sherloc (09022015). Collection method: clinical testing. Allele origin: germline.
Comment: This sequence change replaces alanine, which is neutral and non-polar, with threonine, which is neutral and polar, at codon 24 of the MYD88 protein (p.Ala24Thr). This variant is present in population databases (rs768025686, gnomAD 0.0009%). This variant has not been reported in the literature in individuals affected with MYD88-related conditions. Algorithms developed to predict the effect of missense changes on protein structure and function output the following: SIFT: "Tolerated"; PolyPhen-2: "Possibly Damaging"; Align-GVGD: "Class C0". The threonine amino acid residue is found in multiple mammalian species, which suggests that this missense change does not adversely affect protein function. In summary, the available evidence is currently insufficient to determine the role of this variant in disease. Therefore, it has been classified as a Variant of Uncertain Significance.

NM_002468.5(MYD88):c.31G>A (p.Ala11Thr)

Gene: MYD88 (MYD88 innate immune signal transduction adaptor; plus strand). Cytogenetic location: 3p22.2.
Variant type: single nucleotide variant.
Coding change: c.31G>A on transcript NM_002468.5 (MANE Select); coding-DNA position 31, G replaced by A.
Protein change: p.Ala11Thr; replaces alanine 11 with threonine.
Molecular consequence: missense variant.
Genome position (GRCh38, 1-based): chr3:38,138,731, G>A. VCF-style: chr3-38138731-G-A. GRCh37 (hg19) VCF-style: chr3-38180222-G-A.
Other names: c.31G>A, p.Ala11Thr (NM_001172566.2, NM_001172567.2, NM_001172568.2 and 4 more transcripts); short protein forms A11T, A24T.
Identifiers: ClinVar variation 2155891 (VCV002155891.1), dbSNP rs768025686, ClinGen allele CA2316016.
Genomic context (GRCh38, chr3:38,138,731, plus strand): 5'-GACCGCGCTGAGGCTCCAGGACCGCCCGCCATGGCTGCAGGAGGTCCCGGCGCGGGGTCT[G>A]CGGCCCCGGTCTCCTCCACATCCTCCCTTCCCCTGGCTGCTCTCAACATGCGAGTGCGGC-3'
Protein context (NP_002459.3, residues 1-21): MAAGGPGAGS[Ala11Thr]APVSSTSSLP